The following is an entry in ClinVar:

ClinVar aggregate classification (germline): Uncertain significance (1 of 4 stars; one submission).

Conditions:
Hereditary cancer-predisposing syndrome. Also called: Tumor predisposition; Hereditary Cancer Syndrome; Neoplastic Syndromes, Hereditary; Hereditary neoplastic syndrome. Identifiers: Orphanet 140162, MedGen C0027672, MeSH D009386, MONDO:0015356.

Submission:

Ambry Genetics
Classification: Uncertain significance for Hereditary cancer-predisposing syndrome. Last evaluated: 2021-09-02. Review status: criteria provided, single submitter. Criteria: Ambry Variant Classification Scheme 2023. Collection method: clinical testing. Allele origin: germline.
Comment: The p.S368G variant (also known as c.1102A>G), located in coding exon 9 of the SUFU gene, results from an A to G substitution at nucleotide position 1102. The serine at codon 368 is replaced by glycine, an amino acid with similar properties. This amino acid position is highly conserved in available vertebrate species. In addition, the in silico prediction for this alteration is inconclusive. Since supporting evidence is limited at this time, the clinical significance of this alteration remains unclear.

NM_016169.4(SUFU):c.1102A>G (p.Ser368Gly)

Gene: SUFU (SUFU negative regulator of hedgehog signaling; plus strand). Cytogenetic location: 10q24.32.
Variant type: single nucleotide variant.
Coding change: c.1102A>G on transcript NM_016169.4 (MANE Select); coding-DNA position 1102, A replaced by G.
Protein change: p.Ser368Gly; replaces serine 368 with glycine.
Molecular consequence: missense variant.
Genome position (GRCh38, 1-based): chr10:102,615,347, A>G. VCF-style: chr10-102615347-A-G. GRCh37 (hg19) VCF-style: chr10-104375104-A-G.
Other names: c.1102A>G, p.Ser368Gly (NM_001178133.2); short protein forms S368G.
Identifiers: ClinVar variation 1792729 (VCV001792729.2), dbSNP rs2492779427, ClinGen allele CA377914217.
Genomic context (GRCh38, chr10:102,615,347, plus strand): 5'-GAAAGTGACAGCTCCACGGCCATCATTCCCCATGAGCTGATTCGCACGCGGCAGCTTGAG[A>G]GCGTACATCTGAAATTCAACCAGGAGTCCGGAGCCCTCATTCCTCTCTGCCTAAGGTGAG-3'
Protein context (NP_057253.2, residues 358-378): HELIRTRQLE[Ser368Gly]VHLKFNQESG